The following is an entry in ClinVar:

ClinVar aggregate classification (germline): Uncertain significance (1 of 4 stars; one submission).

Submission:

Labcorp Genetics (formerly Invitae), Labcorp
Classification: Uncertain significance. Last evaluated: 2025-09-20. Review status: criteria provided, single submitter. Criteria: Invitae Variant Classification Sherloc (09022015). Collection method: clinical testing. Allele origin: germline.
Comment: This sequence change replaces asparagine, which is neutral and polar, with aspartic acid, which is acidic and polar, at codon 397 of the ABCA3 protein (p.Asn397Asp). This variant is not present in population databases (gnomAD no frequency). This variant has not been reported in the literature in individuals affected with ABCA3-related conditions. Invitae Evidence Modeling of protein sequence and biophysical properties (such as structural, functional, and spatial information, amino acid conservation, physicochemical variation, residue mobility, and thermodynamic stability) indicates that this missense variant is not expected to disrupt ABCA3 protein function with a negative predictive value of 80%. In summary, the available evidence is currently insufficient to determine the role of this variant in disease. Therefore, it has been classified as a Variant of Uncertain Significance.

NM_001089.3(ABCA3):c.1189A>G (p.Asn397Asp)

Gene: ABCA3 (ATP binding cassette subfamily A member 3; minus strand). Cytogenetic location: 16p13.3.
Variant type: single nucleotide variant.
Coding change: c.1189A>G on transcript NM_001089.3 (MANE Select); coding-DNA position 1189, A replaced by G.
Protein change: p.Asn397Asp; replaces asparagine 397 with aspartic acid.
Molecular consequence: missense variant.
Genome position (GRCh38, 1-based): chr16:2,308,546, T>C on the plus strand (A>G on the coding strand, the complement: ABCA3 is on the minus strand). VCF-style: chr16-2308546-T-C. GRCh37 (hg19) VCF-style: chr16-2358547-T-C.
Other names: short protein forms N397D.
Identifiers: ClinVar variation 4805864 (VCV004805864.1).